The following is an entry in ClinVar:

ClinVar aggregate classification (germline): Benign. Review status: criteria provided, multiple submitters, no conflicts (2 of 4 stars). 2 submissions from 2 submitters: Benign (2). Last evaluated 2018-01-12.

Conditions:
Brachydactyly. Also called: Brachydactyly syndrome; Brachydactyly (disease). Identifiers: MedGen C0221357, MONDO:0021004, HP:0001156.

Allele frequency attached by ClinVar (database versions not stated): 1000 Genomes Project 30x 0.38023; 1000 Genomes Project 0.38478; TOPMed 0.42859; gnomAD 0.43224 and 0.43597.

Submissions (2):

Illumina Laboratory Services, Illumina
Classification: Benign for Brachydactyly. Last evaluated: 2018-01-12. Review status: criteria provided, single submitter. Criteria: ICSL Variant Classification Criteria 13 December 2019. Collection method: clinical testing. Allele origin: germline.
Comment: This variant was observed in the ICSL laboratory as part of a predisposition screen in an ostensibly healthy population. It had not been previously curated by ICSL or reported in the Human Gene Mutation Database (HGMD: prior to June 1st, 2018), and was therefore a candidate for classification through an automated scoring system. Utilizing variant allele frequency, disease prevalence and penetrance estimates, and inheritance mode, an automated score was calculated to assess if this variant is too frequent to cause the disease. Based on the score and internal cut-off values, a variant classified as benign is not then subjected to further curation. The score for this variant resulted in a classification of benign for this disease.

Breakthrough Genomics
Classification: Benign. Review status: criteria provided, single submitter. Criteria: ACMG Guidelines, 2015. Collection method: not provided. Allele origin: germline. Inheritance: Autosomal recessive inheritance. Affected: yes.

NM_001203.3(BMPR1B):c.*3221T>C

Gene: BMPR1B (bone morphogenetic protein receptor type 1B; plus strand). Cytogenetic location: 4q22.3.
Variant type: single nucleotide variant.
Coding change: c.*3221T>C on transcript NM_001203.3 (MANE Select); 3221 bases downstream of the stop codon, T replaced by C.
Molecular consequence: 3 prime UTR variant.
Genome position (GRCh38, 1-based): chr4:95,157,894, T>C. VCF-style: chr4-95157894-T-C. GRCh37 (hg19) VCF-style: chr4-96079045-T-C.
Other names: c.*3221T>C (NM_001256792.2, NM_001256793.2, NM_001256794.1).
Identifiers: ClinVar variation 350174 (VCV000350174.6), dbSNP rs2162450, ClinGen allele CA10622043.